The following is an entry in ClinVar:

NM_001046.3(SLC12A2):c.1014T>C (p.Thr338=)

Gene: SLC12A2 (solute carrier family 12 member 2; plus strand). Cytogenetic location: 5q23.3.
Variant type: single nucleotide variant.
Coding change: c.1014T>C on transcript NM_001046.3 (MANE Select); coding-DNA position 1014, T replaced by C.
Protein change: p.Thr338=; no amino-acid change (threonine 338 retained).
Molecular consequence: synonymous variant. On other transcripts: non-coding transcript variant (1).
Genome position (GRCh38, 1-based): chr5:128,114,647, T>C. VCF-style: chr5-128114647-T-C. GRCh37 (hg19) VCF-style: chr5-127450339-T-C.
Other names: c.1014T>C, p.Thr338= (NM_001256461.2).
Identifiers: ClinVar variation 3251202 (VCV003251202.18), dbSNP rs774039068.

ClinVar aggregate classification (germline): Likely benign (1 of 4 stars; one submission).

Allele frequency attached by ClinVar (database versions not stated): gnomAD 0.00001; TOPMed 0.00001; gnomAD exomes 0.00002; ExAC 0.00003.
gnomAD v4.1: 35 of 1,611,730 alleles (0.0022%); highest among the groups gnomAD compares: South Asian, 0.032%; no homozygotes.

Submission:

CeGaT Center for Human Genetics Tuebingen
Classification: Likely benign. Last evaluated: 2024-06-01. Review status: criteria provided, single submitter. Criteria: CeGaT Center For Human Genetics Tuebingen Variant Classification Criteria Version 2. Collection method: clinical testing. Allele origin: germline. Affected: yes. Observed: 1 variant allele.
Comment: SLC12A2: BP4, BP7